The following is an entry in ClinVar:

ClinVar aggregate classification (germline): Benign/Likely benign. Review status: criteria provided, multiple submitters, no conflicts (2 of 4 stars). 3 submissions from 3 submitters: Benign (1); Likely benign (2). Last evaluated 2026-02-02.

Conditions:
Deficiency of iodide peroxidase (TDH2A). Also called: HYPOTHYROIDISM, CONGENITAL, DUE TO DYSHORMONOGENESIS, 2A; IODIDE PEROXIDASE DEFICIENCY; THYROID HORMONOGENESIS, GENETIC DEFECT IN, 2A; THYROID PEROXIDASE DEFICIENCY; Thyroid dyshormonogenesis 2A. Identifiers: Orphanet 95716, MedGen C1291299, MONDO:0010133, OMIM 274500.

Allele frequency attached by ClinVar (database versions not stated): gnomAD exomes 0.00180 and 0.00473; ExAC 0.00998; gnomAD 0.01883 and 0.02028; 1000 Genomes Project 0.01997; 1000 Genomes Project 30x 0.02030; TOPMed 0.02127; ESP Exome Variant Server 0.02129.
gnomAD v4.1: 5,536 of 1,588,442 alleles (0.35%); highest among the groups gnomAD compares: African/African-American, 6.6%; 183 homozygotes.

Submissions (3):

Labcorp Genetics (formerly Invitae), Labcorp
Classification: Benign. Last evaluated: 2026-02-02. Review status: criteria provided, single submitter. Criteria: Invitae Variant Classification Sherloc (09022015). Collection method: clinical testing. Allele origin: germline.

Illumina Laboratory Services, Illumina
Classification: Likely benign for Deficiency of iodide peroxidase. Last evaluated: 2018-01-13. Review status: criteria provided, single submitter. Criteria: ICSL Variant Classification Criteria 13 December 2019. Collection method: clinical testing. Allele origin: germline.
Comment: This variant was observed in the ICSL laboratory as part of a predisposition screen in an ostensibly healthy population. It had not been previously curated by ICSL or reported in the Human Gene Mutation Database (HGMD: prior to June 1st, 2018), and was therefore a candidate for classification through an automated scoring system. Utilizing variant allele frequency, disease prevalence and penetrance estimates, and inheritance mode, an automated score was calculated to assess if this variant is too frequent to cause the disease. Based on the score and internal cut-off values, a variant classified as likely benign is not then subjected to further curation. The score for this variant resulted in a classification of likely benign for this disease.

Breakthrough Genomics
Classification: Likely benign. Review status: criteria provided, single submitter. Criteria: ACMG Guidelines, 2015. Collection method: not provided. Allele origin: germline. Inheritance: Autosomal recessive inheritance. Affected: yes.

NM_001206744.2(TPO):c.1032C>G (p.Thr344=)

Gene: TPO (thyroid peroxidase; plus strand). Cytogenetic location: 2p25.3.
Variant type: single nucleotide variant.
Coding change: c.1032C>G on transcript NM_001206744.2 (MANE Select); coding-DNA position 1032, C replaced by G.
Protein change: p.Thr344=; no amino-acid change (threonine 344 retained).
Molecular consequence: synonymous variant. On other transcripts: intron variant (1).
Genome position (GRCh38, 1-based): chr2:1,477,298, C>G. VCF-style: chr2-1477298-C-G. GRCh37 (hg19) VCF-style: chr2-1481070-C-G.
Other names: c.1032C>G, p.Thr344= (NM_000547.6, NM_001206745.2, NM_175719.4 and 1 more transcripts); c.820-7298C>G (NM_175722.3).
Identifiers: ClinVar variation 331314 (VCV000331314.13), dbSNP rs28910597, ClinGen allele CA1511644.